The following is an entry in ClinVar:

NM_005026.5(PIK3CD):c.842C>T (p.Ser281Phe)

Gene: PIK3CD (phosphatidylinositol-4,5-bisphosphate 3-kinase catalytic subunit delta; plus strand). Cytogenetic location: 1p36.22.
Variant type: single nucleotide variant.
Coding change: c.842C>T on transcript NM_005026.5 (MANE Select); coding-DNA position 842, C replaced by T.
Protein change: p.Ser281Phe; replaces serine 281 with phenylalanine.
Molecular consequence: missense variant. On other transcripts: intron variant (1).
Genome position (GRCh38, 1-based): chr1:9,717,020, C>T. VCF-style: chr1-9717020-C-T. GRCh37 (hg19) VCF-style: chr1-9777078-C-T.
Other names: c.842C>T, p.Ser281Phe (NM_001350234.2); c.781-26C>T (NM_001350235.1); short protein forms S281F.
Identifiers: ClinVar variation 1718174 (VCV001718174.6), dbSNP rs2524863964, ClinGen allele CA338301522.

ClinVar aggregate classification (germline): Uncertain significance (1 of 4 stars; one submission).

Conditions:
Immunodeficiency 14 (IMD14A). Also called: IMMUNODEFICIENCY 14A WITH LYMPHOPROLIFERATION, AUTOSOMAL DOMINANT; p110-DELTA-ACTIVATING MUTATION CAUSING SENESCENT T CELLS, LYMPHADENOPATHY, AND IMMUNODEFICIENCY; ACTIVATED PI3K-DELTA SYNDROME 1; Activated PI3K Delta Syndrome Type 1 (APDS1). Identifiers: Orphanet 397596, Orphanet 693661, MedGen C5907821, MONDO:0014222, OMIM 615513.

Submission:

Labcorp Genetics (formerly Invitae), Labcorp
Classification: Uncertain significance for Activated PI3K-delta syndrome. Last evaluated: 2022-08-27. Review status: criteria provided, single submitter. Criteria: Invitae Variant Classification Sherloc (09022015). Collection method: clinical testing. Allele origin: germline.
Comment: In summary, the available evidence is currently insufficient to determine the role of this variant in disease. Therefore, it has been classified as a Variant of Uncertain Significance. Algorithms developed to predict the effect of missense changes on protein structure and function are either unavailable or do not agree on the potential impact of this missense change (SIFT: "Deleterious"; PolyPhen-2: "Possibly Damaging"; Align-GVGD: "Class C0"). This variant has not been reported in the literature in individuals affected with PIK3CD-related conditions. This variant is not present in population databases (gnomAD no frequency). This sequence change replaces serine, which is neutral and polar, with phenylalanine, which is neutral and non-polar, at codon 281 of the PIK3CD protein (p.Ser281Phe).